The following is an entry in ClinVar:

NM_000256.3(MYBPC3):c.3713_3714del (p.Leu1238fs)

Gene: MYBPC3 (myosin binding protein C3; minus strand). Cytogenetic location: 11p11.2.
Variant type: Deletion.
Coding change: c.3713_3714del on transcript NM_000256.3 (MANE Select); coding-DNA positions 3713 to 3714, 2 bases deleted (TG; older notation c.3713_3714delTG).
Protein change: p.Leu1238fs; shifts the reading frame from leucine 1238.
Molecular consequence: frameshift variant.
Genome position (GRCh38, 1-based): chr11:47,332,172-47,332,173, CA deleted on the plus strand (TG on the coding strand, the reverse complement: MYBPC3 is on the minus strand). VCF-style (leftmost placement, unchanged base first): chr11-47332171-CCA-C. GRCh37 (hg19) VCF-style: chr11-47353722-CCA-C.
Other names: short protein forms L1238fs.
Identifiers: ClinVar variation 2137067 (VCV002137067.8), dbSNP rs2495736362, ClinGen allele CA2580084175.

ClinVar aggregate classification (germline): Pathogenic/Likely pathogenic. Review status: criteria provided, multiple submitters, no conflicts (2 of 4 stars). 3 submissions from 3 submitters: Pathogenic (1); Likely pathogenic (1). 1 of the submissions does not count toward it. Last evaluated 2024-02-15.

Conditions:
Cardiomyopathy (CMYO). Also called: Cardiomyopathies. Identifiers: Orphanet 167848, MedGen C0878544, MONDO:0004994, HP:0001638. Inheritance: Various modes of inheritance.
Hypertrophic cardiomyopathy 4. Also called: Familial hypertrophic cardiomyopathy 4. Identifiers: MedGen C1861862, MONDO:0007268, OMIM 115197.
Hypertrophic cardiomyopathy. Also called: HYPERTROPHIC MYOCARDIOPATHY. Identifiers: Orphanet 217569, MedGen C0007194, MeSH D002312, MONDO:0005045, HP:0001639.

Submissions (3):

Labcorp Genetics (formerly Invitae), Labcorp
Classification: Pathogenic for Hypertrophic cardiomyopathy. Last evaluated: 2024-02-15. Review status: criteria provided, single submitter. Criteria: Invitae Variant Classification Sherloc (09022015). Collection method: clinical testing. Allele origin: germline.
Comment: This sequence change creates a premature translational stop signal (p.Leu1238Argfs*3) in the MYBPC3 gene. It is expected to result in an absent or disrupted protein product. Loss-of-function variants in MYBPC3 are known to be pathogenic (PMID: 19574547). This variant is not present in population databases (gnomAD no frequency). This premature translational stop signal has been observed in individual(s) with hypertrophic cardiomyopathy (PMID: 23816408). This variant is also known as c.3713delTG. ClinVar contains an entry for this variant (Variation ID: 2137067). Algorithms developed to predict the effect of sequence changes on RNA splicing suggest that this variant may disrupt the consensus splice site. For these reasons, this variant has been classified as Pathogenic.

CHEO Genetics Diagnostic Laboratory, Children's Hospital of Eastern Ontario
Classification: Likely pathogenic for Cardiomyopathy. Last evaluated: 2021-08-17. Review status: criteria provided, single submitter. Criteria: ACMG Guidelines, 2015. Collection method: clinical testing. Allele origin: germline.

ICMR Centre for Advanced Research and Excellence in Heart Failure, Sree Chitra Tirunal Institute for Medical Sciences & Technology, KERALA, INDIA
Classification: Likely pathogenic for Hypertrophic cardiomyopathy 4. Last evaluated: 2023-03-19. Review status: no assertion criteria provided. Collection method: clinical testing. Allele origin: germline. Affected: yes. Observed: 2 variant alleles. Not counted in ClinVar's aggregate classification.

Literature cited by the submitters: PubMed 19574547 (cited by Labcorp Genetics (formerly Invitae), Labcorp); PubMed 23816408 (cited by Labcorp Genetics (formerly Invitae), Labcorp).